The following is an entry in ClinVar:

NM_001270974.2(HYDIN):c.2376+752_2529+9004del

Gene: HYDIN (HYDIN axonemal central pair apparatus protein; minus strand). Cytogenetic location: 16q22.2.
Variant type: Deletion.
Coding change: c.2376+752_2529+9004del on transcript NM_001270974.2 (MANE Select); 752 bases into the intron after coding-DNA position 2376 through 9004 bases into the intron after coding-DNA position 2529, 9,918 bases deleted.
Molecular consequence: splice acceptor variant, splice donor variant.
Genome position (GRCh38, 1-based): chr16:71,051,500-71,061,417, 9,918 bases deleted. GRCh37 (hg19): chr16:71,085,404-71,095,321.
Other names: c.2376+752_2529+9004del (NM_017558.5); c.2427+752_2580+9004del (NM_001198543.1); c.2457+752_2610+9004del (NM_001198542.1).
Identifiers: ClinVar variation 3027480 (VCV003027480.1), ClinGen allele CA2740093417.

ClinVar aggregate classification (germline): Likely pathogenic (1 of 4 stars; one submission).

Conditions:
Primary ciliary dyskinesia 5. Also called: CILIARY DYSKINESIA, PRIMARY, 5, WITHOUT SITUS INVERSUS. Identifiers: Orphanet 244, MedGen C1837615, MONDO:0012088, OMIM 608647.

Submission:

Royal Brompton Clinical Genetics And Genomics Laboratory, NHS South East Genomic Laboratory Hub
Classification: Likely pathogenic for Primary ciliary dyskinesia 5. Last evaluated: 2024-03-06. Review status: criteria provided, single submitter. Criteria: RBHT-CGGL ClinVar Assertion Criteria. Collection method: clinical testing. Allele origin: germline. Affected: yes. Observed: 1 variant allele.
Comment: 2 siblings Compound heterozygous with likely pathogenic NM_001270974.2:c.1095del